The following is an entry in ClinVar:

NM_000018.4(ACADVL):c.358G>A (p.Ala120Thr)

Gene: ACADVL (acyl-CoA dehydrogenase very long chain; plus strand). Cytogenetic location: 17p13.1.
Variant type: single nucleotide variant.
Coding change: c.358G>A on transcript NM_000018.4 (MANE Select); coding-DNA position 358, G replaced by A.
Protein change: p.Ala120Thr; replaces alanine 120 with threonine.
Molecular consequence: missense variant.
Genome position (GRCh38, 1-based): chr17:7,220,939, G>A. VCF-style: chr17-7220939-G-A. GRCh37 (hg19) VCF-style: chr17-7124258-G-A.
Other names: c.292G>A, p.Ala98Thr (NM_001033859.3); c.427G>A, p.Ala143Thr (NM_001270447.2); c.130G>A, p.Ala44Thr (NM_001270448.2); short protein forms A120T, A143T, A44T, A98T.
Identifiers: ClinVar variation 3230972 (VCV003230972.1), dbSNP rs1185963216, ClinGen allele CA397722731.
Genomic context (GRCh38, chr17:7,220,939, plus strand): 5'-TAAGCTCAAAAGGAGCCTGGATGTGGGATCCTGTGCCTTCCCCAGGAAGTGAACGATCCC[G>A]CCAAGAATGACGCTCTGGAGATGGTGGAGGAGACCACTTGGCAGGGCCTCAAGGAGCTGG-3'
Protein context (NP_000009.1, residues 110-130): SRFFEEVNDP[Ala120Thr]KNDALEMVEE

ClinVar aggregate classification (germline): Uncertain significance (1 of 4 stars; one submission).

Conditions:
Inborn genetic diseases. Identifiers: MedGen C0950123, MeSH D030342.

Allele frequency attached by ClinVar (database versions not stated): gnomAD exomes below 0.00001.
gnomAD v4.1: 7 of 1,614,092 alleles (0.00043%); highest among the groups gnomAD compares: South Asian, 0.0022%; no homozygotes.

Submission:

Ambry Genetics
Classification: Uncertain significance for Inborn genetic diseases. Last evaluated: 2023-11-26. Review status: criteria provided, single submitter. Criteria: Ambry Variant Classification Scheme 2023. Collection method: clinical testing. Allele origin: germline.
Comment: The p.A120T variant (also known as c.358G>A), located in coding exon 6 of the ACADVL gene, results from a G to A substitution at nucleotide position 358. The alanine at codon 120 is replaced by threonine, an amino acid with similar properties. This amino acid position is conserved. In addition, the in silico prediction for this alteration is inconclusive. Since supporting evidence is limited at this time, the clinical significance of this alteration remains unclear.